The following is an entry in ClinVar:

NM_002473.6(MYH9):c.3485+3G>T

Gene: MYH9 (myosin heavy chain 9; minus strand). Cytogenetic location: 22q12.3.
Variant type: single nucleotide variant.
Coding change: c.3485+3G>T on transcript NM_002473.6 (MANE Select); 3 bases into the intron after coding-DNA position 3485, G replaced by T.
Molecular consequence: intron variant.
Genome position (GRCh38, 1-based): chr22:36,295,502, C>A on the plus strand (G>T on the coding strand, the complement: MYH9 is on the minus strand). VCF-style: chr22-36295502-C-A. GRCh37 (hg19) VCF-style: chr22-36691548-C-A.
Identifiers: ClinVar variation 2151186 (VCV002151186.5), dbSNP rs758070954, ClinGen allele CA10209674.

ClinVar aggregate classification (germline): Uncertain significance. Review status: criteria provided, multiple submitters, no conflicts (2 of 4 stars). 2 submissions from 2 submitters: Uncertain significance (2). Last evaluated 2024-01-24.

Conditions:
Autosomal dominant nonsyndromic hearing loss 17. Also called: Autosomal dominant nonsyndromic deafness 17; Deafness, autosomal dominant 17. Identifiers: Orphanet 90635, MedGen C1863659, MONDO:0011350, OMIM 603622.
Macrothrombocytopenia and granulocyte inclusions with or without nephritis or sensorineural hearing loss (MATINS). Also called: BLEEDING DISORDER, PLATELET-TYPE, 6; MAY-HEGGLIN ANOMALY; SEBASTIAN PLATELET SYNDROME; MACROTHROMBOCYTOPENIA WITH DISPERSED LEUKOCYTIC INCLUSIONS; MACROTHROMBOCYTOPENIA, NEPHRITIS, AND DEAFNESS; MACROTHROMBOCYTOPENIA, NEPHRITIS, DEAFNESS, AND LEUKOCYTE INCLUSIONS. Identifiers: Orphanet 182050, MedGen C5200934, MONDO:0015912, OMIM 155100.

Allele frequency attached by ClinVar (database versions not stated): ExAC 0.00003.
gnomAD v4.1: 3 of 1,612,068 alleles (0.00019%); highest among the groups gnomAD compares: Admixed American, 0.005%; no homozygotes.

Submissions (2):

Fulgent Genetics
Classification: Uncertain significance for Macrothrombocytopenia and granulocyte inclusions with or without nephritis or sensorineural hearing loss; Autosomal dominant nonsyndromic hearing loss 17. Last evaluated: 2024-01-24. Review status: criteria provided, single submitter. Criteria: ACMG Guidelines, 2015. Collection method: clinical testing. Allele origin: germline.

Labcorp Genetics (formerly Invitae), Labcorp
Classification: Uncertain significance. Last evaluated: 2023-07-17. Review status: criteria provided, single submitter. Criteria: Invitae Variant Classification Sherloc (09022015). Collection method: clinical testing. Allele origin: germline.
Comment: This sequence change falls in intron 26 of the MYH9 gene. It does not directly change the encoded amino acid sequence of the MYH9 protein. It affects a nucleotide within the consensus splice site. In summary, the available evidence is currently insufficient to determine the role of this variant in disease. Therefore, it has been classified as a Variant of Uncertain Significance. Variants that disrupt the consensus splice site are a relatively common cause of aberrant splicing (PMID: 17576681, 9536098). Algorithms developed to predict the effect of sequence changes on RNA splicing suggest that this variant is not likely to affect RNA splicing. ClinVar contains an entry for this variant (Variation ID: 2151186). This variant has not been reported in the literature in individuals affected with MYH9-related conditions. This variant is present in population databases (rs758070954, gnomAD 0.006%).

Literature cited by the submitters: PubMed 17576681 (cited by Labcorp Genetics (formerly Invitae), Labcorp); PubMed 9536098 (cited by Labcorp Genetics (formerly Invitae), Labcorp).